The following is an entry in ClinVar:

ClinVar aggregate classification (germline): Conflicting classifications of pathogenicity. Review status: criteria provided, conflicting classifications (1 of 4 stars). 5 submissions from 5 submitters: Uncertain significance (1); Benign (1); Likely benign (3). Last evaluated 2026-03-01.

Conditions:
Retinal dystrophy. Also called: Inherited retinal dystrophy. Identifiers: Orphanet 71862, MedGen C0854723, MeSH D058499, MONDO:0019118, HP:0000556.
Saldino-Mainzer syndrome (SRTD9). Also called: CONORENAL SYNDROME; SHORT-RIB THORACIC DYSPLASIA 9 WITHOUT POLYDACTYLY; short-rib thoracic dysplasia 9 with or without polydactyly; Renal dysplasia, retinal pigmentary dystrophy, cerebellar ataxia and skeletal dysplasia. Identifiers: Orphanet 140969, MedGen C1849437, MONDO:0009964, OMIM 266920.

Allele frequency attached by ClinVar (database versions not stated): ESP Exome Variant Server 0.00008; gnomAD 0.00020 and 0.00028; TOPMed 0.00025; gnomAD exomes 0.00026 and 0.00049; ExAC 0.00032; 1000 Genomes Project 30x 0.00109; 1000 Genomes Project 0.00140.
gnomAD v4.1: 744 of 1,613,314 alleles (0.046%); highest among the groups gnomAD compares: East Asian, 0.88%; 6 homozygotes.

Submissions (5):

CeGaT Center for Human Genetics Tuebingen
Classification: Likely benign. Last evaluated: 2026-03-01. Review status: criteria provided, single submitter. Criteria: CeGaT Center For Human Genetics Tuebingen Variant Classification Criteria Version 2. Collection method: clinical testing. Allele origin: germline. Affected: yes. Observed: 2 variant alleles.
Comment: IFT140: BP4, BP7

Labcorp Genetics (formerly Invitae), Labcorp
Classification: Likely benign for Saldino-Mainzer syndrome. Last evaluated: 2026-01-16. Review status: criteria provided, single submitter. Criteria: Invitae Variant Classification Sherloc (09022015). Collection method: clinical testing. Allele origin: germline.

Blueprint Genetics
Classification: Likely benign. Last evaluated: 2024-11-11. Review status: criteria provided, single submitter. Criteria: ACMG Guidelines, 2015. Collection method: clinical testing. Allele origin: germline.

Dept Of Ophthalmology, Nagoya University
Classification: Benign for Retinal dystrophy. Last evaluated: 2023-10-01. Review status: criteria provided, single submitter. Criteria: Submitter's publication. Collection method: research. Allele origin: germline. Affected: yes.

Illumina Laboratory Services, Illumina
Classification: Uncertain significance for Saldino-Mainzer syndrome. Last evaluated: 2018-01-13. Review status: criteria provided, single submitter. Criteria: ICSL Variant Classification Criteria 13 December 2019. Collection method: clinical testing. Allele origin: germline.

NM_014714.4(IFT140):c.1230G>A (p.Ser410=)

Genes: IFT140 (intraflagellar transport 140; minus strand), LOC105371046 (uncharacterized LOC105371046; plus strand). Cytogenetic location: 16p13.3.
Variant type: single nucleotide variant.
Coding change: c.1230G>A on transcript NM_014714.4 (MANE Select); coding-DNA position 1230, G replaced by A.
Protein change: p.Ser410=; no amino-acid change (serine 410 retained).
Molecular consequence: synonymous variant.
Genome position (GRCh38, 1-based): chr16:1,584,346, C>T on the plus strand (G>A on the coding strand, the complement: IFT140 is on the minus strand). VCF-style: chr16-1584346-C-T. GRCh37 (hg19) VCF-style: chr16-1634347-C-T.
Identifiers: ClinVar variation 318193 (VCV000318193.24), dbSNP rs199840711, ClinGen allele CA7814393.
Genomic context (GRCh38, chr16:1,584,346, plus strand): 5'-GCACACATTCAGCAGACTCGGGGAGACCTGCATGGCGGCCACTTGCTGGTGGAAGTGTGA[C>T]GACATGGCCCGCTCGCTGAGGATGGCCACGGAGATGACGCTGTTCACTGCCAGCAGGTTC-3'
Protein context (NP_055529.2, residues 400-420): SVAILSERAM[Ser410=]SHFHQQVAAM